The following is an entry in ClinVar:

ClinVar aggregate classification (germline): Uncertain significance (1 of 4 stars; one submission).

Conditions:
Dyskeratosis congenita, autosomal recessive 6 (DKCB6). Identifiers: MedGen C4225356, MONDO:0014600, OMIM 616353.
Pulmonary fibrosis and/or bone marrow failure, Telomere-related, 4. Also called: PULMONARY FIBROSIS AND/OR BONE MARROW FAILURE SYNDROME, TELOMERE-RELATED, 4. Identifiers: Orphanet 2032, MedGen C4225347, MONDO:0014612, OMIM 616371.

Allele frequency attached by ClinVar (database versions not stated): gnomAD exomes below 0.00001.

Submission:

Labcorp Genetics (formerly Invitae), Labcorp
Classification: Uncertain significance for Dyskeratosis congenita, autosomal recessive 6; Pulmonary fibrosis and/or bone marrow failure, Telomere-related, 4. Last evaluated: 2021-10-24. Review status: criteria provided, single submitter. Criteria: Invitae Variant Classification Sherloc (09022015). Collection method: clinical testing. Allele origin: germline.
Comment: In summary, the available evidence is currently insufficient to determine the role of this variant in disease. Therefore, it has been classified as a Variant of Uncertain Significance. Algorithms developed to predict the effect of missense changes on protein structure and function are either unavailable or do not agree on the potential impact of this missense change (SIFT: "Deleterious"; PolyPhen-2: "Possibly Damaging"; Align-GVGD: "Class C0"). This variant has not been reported in the literature in individuals affected with PARN-related conditions. This variant is not present in population databases (ExAC no frequency). This sequence change replaces proline with serine at codon 38 of the PARN protein (p.Pro38Ser). The proline residue is moderately conserved and there is a moderate physicochemical difference between proline and serine.

NM_002582.4(PARN):c.112C>T (p.Pro38Ser)

Gene: PARN (poly(A)-specific ribonuclease; minus strand). Cytogenetic location: 16p13.12.
Variant type: single nucleotide variant.
Coding change: c.112C>T on transcript NM_002582.4 (MANE Select); coding-DNA position 112, C replaced by T.
Protein change: p.Pro38Ser; replaces proline 38 with serine.
Molecular consequence: missense variant. On other transcripts: 5 prime UTR variant (1).
Genome position (GRCh38, 1-based): chr16:14,628,237, G>A on the plus strand (C>T on the coding strand, the complement: PARN is on the minus strand). VCF-style: chr16-14628237-G-A. GRCh37 (hg19) VCF-style: chr16-14722094-G-A.
Other names: c.-72C>T (NM_001134477.3); c.112C>T, p.Pro38Ser (NM_001242992.2); short protein forms P38S.
Identifiers: ClinVar variation 1389142 (VCV001389142.6), dbSNP rs1972800939, ClinGen allele CA394817093.